The following is an entry in ClinVar:

ClinVar aggregate classification (germline): Uncertain significance. Review status: criteria provided, multiple submitters, no conflicts (2 of 4 stars). 2 submissions from 2 submitters: Uncertain significance (2). Last evaluated 2025-06-09.

Conditions:
Emery-Dreifuss muscular dystrophy (EDMD). Also called: Scapuloperoneal syndrome, X-linked (formerly); Humeroperoneal neuromuscular disease, (formerly). Identifiers: Orphanet 261, MedGen C0410189, MONDO:0016830.

Allele frequency attached by ClinVar (database versions not stated): gnomAD exomes below 0.00001.
gnomAD v4.1: 2 of 1,613,628 alleles (0.00012%); highest among the groups gnomAD compares: Non-Finnish European, 0.00017%; no homozygotes.

Submissions (2):

Labcorp Genetics (formerly Invitae), Labcorp
Classification: Uncertain significance for Emery-Dreifuss muscular dystrophy. Last evaluated: 2025-06-09. Review status: criteria provided, single submitter. Criteria: Invitae Variant Classification Sherloc (09022015). Collection method: clinical testing. Allele origin: germline.
Comment: This sequence change replaces isoleucine, which is neutral and non-polar, with threonine, which is neutral and polar, at codon 521 of the SUN2 protein (p.Ile521Thr). This variant is not present in population databases (gnomAD no frequency). This variant has not been reported in the literature in individuals affected with SUN2-related conditions. ClinVar contains an entry for this variant (Variation ID: 2731714). An algorithm developed to predict the effect of missense changes on protein structure and function outputs the following: PolyPhen-2: "Benign". The threonine amino acid residue is found in multiple mammalian species, which suggests that this missense change does not adversely affect protein function. In summary, the available evidence is currently insufficient to determine the role of this variant in disease. Therefore, it has been classified as a Variant of Uncertain Significance.

Ambry Genetics
Classification: Uncertain significance. Last evaluated: 2024-12-31. Review status: criteria provided, single submitter. Criteria: Ambry Variant Classification Scheme 2023. Collection method: clinical testing. Allele origin: germline.

NM_015374.3(SUN2):c.1562T>C (p.Ile521Thr)

Genes: GTPBP1 (GTP binding protein 1; plus strand), SUN2 (Sad1 and UNC84 domain containing 2; minus strand). Cytogenetic location: 22q13.1.
Variant type: single nucleotide variant.
Coding change: c.1562T>C on transcript NM_015374.3 (MANE Select); coding-DNA position 1562, T replaced by C.
Protein change: p.Ile521Thr; replaces isoleucine 521 with threonine.
Molecular consequence: missense variant.
Genome position (GRCh38, 1-based): chr22:38,739,738, A>G on the plus strand (T>C on the coding strand, the complement: SUN2 is on the minus strand). VCF-style: chr22-38739738-A-G. GRCh37 (hg19) VCF-style: chr22-39135743-A-G.
Other names: c.1625T>C, p.Ile542Thr (NM_001199579.2, NM_001394428.1); c.1562T>C, p.Ile521Thr (NM_001199580.2, NM_001394431.1, NM_001394432.1 and 5 more transcripts); c.1655T>C, p.Ile552Thr (NM_001394427.1); c.1607T>C, p.Ile536Thr (NM_001394429.1, NM_001394430.1); c.1472T>C, p.Ile491Thr (NM_001394438.1); c.1424T>C, p.Ile475Thr (NM_001394439.1, NM_001394440.1, NM_001394441.1); c.1163T>C, p.Ile388Thr (NM_001394442.1); c.1070T>C, p.Ile357Thr (NM_001394443.1); and 2 more; short protein forms I357T, I536T, I552T, I521T, I542T, I329T, I388T, I475T.
Identifiers: ClinVar variation 2731714 (VCV002731714.4), dbSNP rs2517978037, ClinGen allele CA411584048.
Genomic context (GRCh38, chr22:38,739,738, plus strand): 5'-GAGAGCTGTGGGTGGGTGTGTGGAGAGGGGCATGTGGGCCTCACCTCCTCTGTCACTCCA[A>G]TCACACCTTCTTTCTGCAGCGTCAGGCTCAGGGAGGCCGCGGCTTCCCTGGCCGACTTGC-3'
Protein context (NP_056189.1, residues 511-531): LSLTLQKEGV[Ile521Thr]GVTEEQVHHI